The following is an entry in ClinVar:

NM_003482.4(KMT2D):c.7031G>A (p.Gly2344Asp)

Gene: KMT2D (lysine methyltransferase 2D; minus strand). Cytogenetic location: 12q13.12.
Variant type: single nucleotide variant.
Coding change: c.7031G>A on transcript NM_003482.4 (MANE Select); coding-DNA position 7031, G replaced by A.
Protein change: p.Gly2344Asp; replaces glycine 2344 with aspartic acid.
Molecular consequence: missense variant.
Genome position (GRCh38, 1-based): chr12:49,040,739, C>T on the plus strand (G>A on the coding strand, the complement: KMT2D is on the minus strand). VCF-style: chr12-49040739-C-T. GRCh37 (hg19) VCF-style: chr12-49434522-C-T.
Other names: c.7031G>A (NM_003482.3); short protein forms G2344D.
Identifiers: ClinVar variation 1411414 (VCV001411414.15), dbSNP rs199845251, ClinGen allele CA6547134.
Genomic context (GRCh38, chr12:49,040,739, plus strand): 5'-CTTGGAGGAGAAGGTGCCAAAGCCTGGGCAGGGGGTGGCTCCTGGGGCCTTAGGCCCAAG[C>T]CCGGGCTCTGGGGCTCTACCTGAGATGCCCGAGGGGTCAGGGGGGCTTTGAAGACATCAG-3'
Protein context (NP_003473.3, residues 2334-2354): RASQVEPQSP[Gly2344Asp]LGLRPQEPPP

ClinVar aggregate classification (germline): Benign/Likely benign. Review status: criteria provided, multiple submitters, no conflicts (2 of 4 stars). 5 submissions from 5 submitters: Benign (2); Likely benign (3). Last evaluated 2026-06-15.

Conditions:
KMT2D-related disorder. Also called: KMT2D-Related Disorders.
Kabuki syndrome. Also called: Kabuki make-up syndrome; NIIKAWA-KUROKI SYNDROME. Identifiers: Orphanet 2322, MedGen C0796004, MONDO:0016512.

Allele frequency attached by ClinVar (database versions not stated): ExAC 0.00002; gnomAD exomes 0.00002 and 0.00003; TOPMed 0.00003; gnomAD 0.00006; ESP Exome Variant Server 0.00017.
gnomAD v4.1: 58 of 1,613,306 alleles (0.0036%); highest among the groups gnomAD compares: Non-Finnish European, 0.0046%; no homozygotes.

Submissions (5):

Women's Health and Genetics/Laboratory Corporation of America, LabCorp
Classification: Likely benign. Last evaluated: 2026-06-15. Review status: criteria provided, single submitter. Criteria: LabCorp Variant Classification Summary - May 2015. Collection method: clinical testing. Allele origin: germline.
Comment: Variant summary: KMT2D c.7031G>A (p.Gly2344Asp) results in a non-conservative amino acid change in the encoded protein sequence. Algorithms developed to predict the effect of missense changes on protein structure and function are either unavailable or do not agree on the potential impact of this missense change. The variant allele was found at a frequency of 2.4e-05 in 247100 control chromosomes. A total of 58 heterozygotes of this variant was observed in the gnomAD v4 database. To our knowledge, no occurrence of c.7031G>A in individuals affected with KMT2D-related conditions and no experimental evidence demonstrating its impact on protein function have been reported. ClinVar contains an entry for this variant (Variation ID: 1411414). Based on the evidence outlined above, the variant was classified as likely benign.

Labcorp Genetics (formerly Invitae), Labcorp
Classification: Benign for Kabuki syndrome. Last evaluated: 2025-12-09. Review status: criteria provided, single submitter. Criteria: Invitae Variant Classification Sherloc (09022015). Collection method: clinical testing. Allele origin: germline.

PreventionGenetics, part of Exact Sciences
Classification: Benign for KMT2D-related condition. Last evaluated: 2025-10-31. Review status: criteria provided, single submitter. Criteria: ACMG Guidelines, 2015. Collection method: clinical testing. Allele origin: germline.
Comment: This variant is classified as benign based on ACMG/AMP sequence variant interpretation guidelines (Richards et al. 2015 PMID: 25741868, with internal and published modifications).

CeGaT Center for Human Genetics Tuebingen
Classification: Likely benign. Last evaluated: 2025-10-01. Review status: criteria provided, single submitter. Criteria: CeGaT Center For Human Genetics Tuebingen Variant Classification Criteria Version 2. Collection method: clinical testing. Allele origin: germline. Affected: yes. Observed: 1 variant allele.
Comment: KMT2D: BS2

Blueprint Genetics
Classification: Likely benign. Last evaluated: 2024-04-10. Review status: criteria provided, single submitter. Criteria: ACMG Guidelines, 2015. Collection method: clinical testing. Allele origin: germline.